The following is an entry in ClinVar:

ClinVar aggregate classification (germline): Likely benign (0 of 4 stars; one submission).

Conditions:
KRIT1-related disorder. Also called: KRIT1-related condition; KRIT1-related disorders.

Submission:

PreventionGenetics, part of Exact Sciences
Classification: Likely benign for KRIT1-related condition. Last evaluated: 2023-01-19. Review status: no assertion criteria provided. Collection method: clinical testing. Allele origin: germline.
Comment: This variant is classified as likely benign based on ACMG/AMP sequence variant interpretation guidelines (Richards et al. 2015 PMID: 25741868, with internal and published modifications).

NM_194454.3(KRIT1):c.525A>C (p.Pro175=)

Gene: KRIT1 (KRIT1 ankyrin repeat containing; minus strand). Cytogenetic location: 7q21.2.
Variant type: single nucleotide variant.
Coding change: c.525A>C on transcript NM_194454.3 (MANE Select); coding-DNA position 525, A replaced by C.
Protein change: p.Pro175=; no amino-acid change (proline 175 retained).
Molecular consequence: synonymous variant. On other transcripts: 5 prime UTR variant (1).
Genome position (GRCh38, 1-based): chr7:92,235,607, T>G on the plus strand (A>C on the coding strand, the complement: KRIT1 is on the minus strand). VCF-style: chr7-92235607-T-G. GRCh37 (hg19) VCF-style: chr7-91864921-T-G.
Other names: c.525A>C, p.Pro175= (NM_001350678.1, NM_001350679.1, NM_001350680.1 and 29 more transcripts); c.-59A>C (NM_001350671.1).
Identifiers: ClinVar variation 3030202 (VCV003030202.2), dbSNP rs753361614, ClinGen allele CA4339350.